The following is an entry in ClinVar:

ClinVar aggregate classification (germline): Conflicting classifications of pathogenicity. Review status: criteria provided, conflicting classifications (1 of 4 stars). 3 submissions from 3 submitters: Uncertain significance (2); Likely benign (1). Last evaluated 2025-08-04.

Conditions:
Spastic paraplegia. Identifiers: MedGen C0037772, HP:0001258.
Inborn genetic diseases. Identifiers: MedGen C0950123, MeSH D030342.

Allele frequency attached by ClinVar (database versions not stated): gnomAD exomes 0.00001 and 0.00008; TOPMed 0.00003; ExAC 0.00004; gnomAD 0.00005.
gnomAD v4.1: 86 of 1,188,464 alleles (0.0072%); highest among the groups gnomAD compares: Non-Finnish European, 0.0095%; no homozygotes.

Submissions (3):

Labcorp Genetics (formerly Invitae), Labcorp
Classification: Uncertain significance for Spastic paraplegia. Last evaluated: 2025-08-04. Review status: criteria provided, single submitter. Criteria: Invitae Variant Classification Sherloc (09022015). Collection method: clinical testing. Allele origin: germline.
Comment: This sequence change replaces threonine, which is neutral and polar, with isoleucine, which is neutral and non-polar, at codon 1544 of the KDM5C protein (p.Thr1544Ile). This variant is present in population databases (rs782529520, gnomAD 0.003%). This variant has not been reported in the literature in individuals affected with KDM5C-related conditions. ClinVar contains an entry for this variant (Variation ID: 1214460). Invitae Evidence Modeling of protein sequence and biophysical properties (such as structural, functional, and spatial information, amino acid conservation, physicochemical variation, residue mobility, and thermodynamic stability) indicates that this missense variant is not expected to disrupt KDM5C protein function with a negative predictive value of 95%. In summary, the available evidence is currently insufficient to determine the role of this variant in disease. Therefore, it has been classified as a Variant of Uncertain Significance.

Ambry Genetics
Classification: Uncertain significance for Inborn genetic diseases. Last evaluated: 2023-09-27. Review status: criteria provided, single submitter. Criteria: Ambry Variant Classification Scheme 2023. Collection method: clinical testing. Allele origin: germline.

GeneDx
Classification: Likely benign. Last evaluated: 2021-01-14. Review status: criteria provided, single submitter. Criteria: GeneDx Variant Classification Process June 2021. Collection method: clinical testing. Allele origin: germline. Affected: yes.
Comment: In silico analysis supports that this missense variant does not alter protein structure/function

Literature cited by the submitters: PubMed 25666439 (cited by Ambry Genetics).

NM_004187.5(KDM5C):c.4631C>T (p.Thr1544Ile)

Gene: KDM5C (lysine demethylase 5C; minus strand). Cytogenetic location: Xp11.22.
Variant type: single nucleotide variant.
Coding change: c.4631C>T on transcript NM_004187.5 (MANE Select); coding-DNA position 4631, C replaced by T.
Protein change: p.Thr1544Ile; replaces threonine 1544 with isoleucine.
Molecular consequence: missense variant. On other transcripts: intron variant (5).
Genome position (GRCh38, 1-based): chrX:53,193,019, G>A on the plus strand (C>T on the coding strand, the complement: KDM5C is on the minus strand). VCF-style: chrX-53193019-G-A. GRCh37 (hg19) VCF-style: chrX-53222201-G-A.
Other names: c.4628C>T, p.Thr1543Ile (NM_001282622.3); c.4622C>T, p.Thr1541Ile (NM_001353978.3); c.4305+418C>T (NM_001353982.2); c.4314+418C>T (NM_001353979.2); c.4308+418C>T (NM_001353981.2, NM_001353984.2); c.4047-182C>T (NM_001146702.2); c.4631C>T (NM_004187.3); short protein forms T1541I, T1543I, T1544I.
Identifiers: ClinVar variation 1214460 (VCV001214460.9), dbSNP rs782529520, ClinGen allele CA10419063.